The following is an entry in ClinVar:

ClinVar aggregate classification (germline): Uncertain significance (1 of 4 stars; one submission).

Conditions:
Pseudohypoaldosteronism type 2C (PHA2C). Also called: Pseudohypoaldosteronism Type IIC. Identifiers: Orphanet 757, Orphanet 88940, MedGen C1840391, MONDO:0013778, OMIM 614492.
Neuropathy, hereditary sensory and autonomic, type 2A (HSAN2A). Also called: ACROOSTEOLYSIS, GIACCAI TYPE; ACROOSTEOLYSIS, NEUROGENIC; HSAN IIA; WNK1-Related HSAN2 (HSAN2A); MORVAN DISEASE; NEUROPATHY, CONGENITAL SENSORY. Identifiers: Orphanet 970, MedGen C2752089, MONDO:0024309, OMIM 201300.

Allele frequency attached by ClinVar (database versions not stated): gnomAD exomes below 0.00001.
gnomAD v4.1: 3 of 1,614,166 alleles (0.00019%); highest among the groups gnomAD compares: Non-Finnish European, 0.00025%; no homozygotes.

Submission:

Labcorp Genetics (formerly Invitae), Labcorp
Classification: Uncertain significance for Neuropathy, hereditary sensory and autonomic, type 2A; Pseudohypoaldosteronism type 2C. Last evaluated: 2020-11-21. Review status: criteria provided, single submitter. Criteria: Invitae Variant Classification Sherloc (09022015). Collection method: clinical testing. Allele origin: germline.
Comment: This variant has not been reported in the literature in individuals with WNK1-related disease. This variant is not present in population databases (ExAC no frequency). This sequence change replaces valine with isoleucine at codon 1051 of the WNK1 protein (p.Val1051Ile). The valine residue is moderately conserved and there is a small physicochemical difference between valine and isoleucine. Algorithms developed to predict the effect of missense changes on protein structure and function output the following: SIFT: "Tolerated"; PolyPhen-2: "Benign"; Align-GVGD: "Class C0". The isoleucine amino acid residue is found in multiple mammalian species, suggesting that this missense change does not adversely affect protein function. These predictions have not been confirmed by published functional studies and their clinical significance is uncertain. In summary, the available evidence is currently insufficient to determine the role of this variant in disease. Therefore, it has been classified as a Variant of Uncertain Significance.

NM_018979.4(WNK1):c.3151G>A (p.Val1051Ile)

Gene: WNK1 (WNK lysine deficient protein kinase 1; plus strand). Cytogenetic location: 12p13.33.
Variant type: single nucleotide variant.
Coding change: c.3151G>A on transcript NM_018979.4 (MANE Select); coding-DNA position 3151, G replaced by A.
Protein change: p.Val1051Ile; replaces valine 1051 with isoleucine.
Molecular consequence: missense variant.
Genome position (GRCh38, 1-based): chr12:881,731, G>A. VCF-style: chr12-881731-G-A. GRCh37 (hg19) VCF-style: chr12-990897-G-A.
Other names: c.3931G>A, p.Val1311Ile (NM_001184985.2); c.2410G>A, p.Val804Ile (NM_014823.3); c.3907G>A, p.Val1303Ile (NM_213655.5); short protein forms V1051I, V1303I, V804I, V1311I.
Identifiers: ClinVar variation 653056 (VCV000653056.10), dbSNP rs1592157115, ClinGen allele CA383327578.
Genomic context (GRCh38, chr12:881,731, plus strand): 5'-AGTTATCTTTTCGATTCACAGAGTACTCAGGGAGTCTCTCAGGTTGCTCCTGCAGAGCCA[G>A]TTGCAGTAGCACAGACCCAAGCTACCCAGCCGACCACTTTGGCTTCCTCTGTAGACAGGT-3'
Protein context (NP_061852.3, residues 1041-1061): GVSQVAPAEP[Val1051Ile]AVAQTQATQP